The following is an entry in ClinVar:

NM_020810.3(TRMT5):c.1171A>G (p.Lys391Glu)

Gene: TRMT5 (tRNA methyltransferase 5; minus strand). Cytogenetic location: 14q23.1.
Variant type: single nucleotide variant.
Coding change: c.1171A>G on transcript NM_020810.3 (MANE Select); coding-DNA position 1171, A replaced by G.
Protein change: p.Lys391Glu; replaces lysine 391 with glutamic acid.
Molecular consequence: missense variant.
Genome position (GRCh38, 1-based): chr14:60,975,748, T>C on the plus strand (A>G on the coding strand, the complement: TRMT5 is on the minus strand). VCF-style: chr14-60975748-T-C. GRCh37 (hg19) VCF-style: chr14-61442466-T-C.
Other names: c.1255A>G, p.Lys419Glu (NM_001350253.1); c.1252A>G, p.Lys418Glu (NM_001350254.1); short protein forms K391E, K418E, K419E.
Identifiers: ClinVar variation 1715405 (VCV001715405.3), dbSNP rs2502985403, ClinGen allele CA389919264.

ClinVar aggregate classification (germline): Uncertain significance (1 of 4 stars; one submission).

Submission:

Labcorp Genetics (formerly Invitae), Labcorp
Classification: Uncertain significance. Last evaluated: 2022-08-06. Review status: criteria provided, single submitter. Criteria: Invitae Variant Classification Sherloc (09022015). Collection method: clinical testing. Allele origin: germline.
Comment: This sequence change replaces lysine, which is basic and polar, with glutamic acid, which is acidic and polar, at codon 391 of the TRMT5 protein (p.Lys391Glu). This variant is not present in population databases (gnomAD no frequency). This variant has not been reported in the literature in individuals affected with TRMT5-related conditions. Algorithms developed to predict the effect of missense changes on protein structure and function (SIFT, PolyPhen-2, Align-GVGD) all suggest that this variant is likely to be tolerated. In summary, the available evidence is currently insufficient to determine the role of this variant in disease. Therefore, it has been classified as a Variant of Uncertain Significance.